The following is an entry in ClinVar:

ClinVar aggregate classification (germline): Likely benign. Review status: criteria provided, multiple submitters, no conflicts (2 of 4 stars). 3 submissions from 3 submitters: Likely benign (3). Last evaluated 2026-01-25.

Conditions:
Malignant hyperthermia, susceptibility to, 1 (MHS1). Also called: RYR1-Related Malignant Hyperthermia Susceptibility; Anesthesia related hyperthermia; Malignant hyperpyrexia; Fulminating hyperpyrexia; Pharmacogenic myopathy; Malignant hyperthermia suceptibility 1. Identifiers: Orphanet 423, MedGen C2930980, MONDO:0007783, OMIM 145600.
RYR1-related disorder. Also called: RYR1-related condition; RYR1-related disorders. Identifiers: MedGen CN239331.

Submissions (3):

Labcorp Genetics (formerly Invitae), Labcorp
Classification: Likely benign for RYR1-related disorder. Last evaluated: 2026-01-25. Review status: criteria provided, single submitter. Criteria: Invitae Variant Classification Sherloc (09022015). Collection method: clinical testing. Allele origin: germline.

Women's Health and Genetics/Laboratory Corporation of America, LabCorp
Classification: Likely benign. Last evaluated: 2026-01-05. Review status: criteria provided, single submitter. Criteria: LabCorp Variant Classification Summary - May 2015. Collection method: clinical testing. Allele origin: germline.
Comment: Variant summary: RYR1 c.14256_14257delinsCA (p.Ala4753Thr) results in a non-conservative amino acid change in the encoded protein sequence. Algorithms developed to predict the effect of missense changes on protein structure and function are either unavailable or do not agree on the potential impact of this missense change. Consensus agreement among computation tools predict no significant impact on normal splicing. However, these predictions have yet to be confirmed by functional studies. The variant allele was found at a frequency of 0.00013 in 1614084 control chromosomes, predominantly at a frequency of 0.0026 within the African or African-American subpopulation in the gnomAD database, including 1 homozygote. The observed variant frequency within African or African-American control individuals in the gnomAD database exceeds the estimated maximal expected allele frequency for disease-causing variants in RYR1. p.Ala4753Thr has been observed in the heterozygous state in an individual with clinical features of RYR1-related myopathy, but without strong evidence for causality (Kushnir_2020). This report does not provide unequivocal conclusions about association of the variant with RYR1-related conditions. To our knowledge, no experimental evidence demonstrating an impact on protein function has been reported. The following publication has been ascertained in the context of this evaluation (PMID: 32236737). ClinVar contains an entry for this variant (Variation ID: 544507). Based on the evidence outlined above, the variant was classified as likely benign.

Color Diagnostics, LLC DBA Color Health
Classification: Likely benign for Malignant hyperthermia, susceptibility to, 1. Last evaluated: 2024-01-05. Review status: criteria provided, single submitter. Criteria: ACMG Guidelines, 2015. Collection method: clinical testing. Allele origin: germline.

Literature cited by the submitters: PubMed 32236737 (cited by Women's Health and Genetics/Laboratory Corporation of America, LabCorp).

NM_000540.3(RYR1):c.14256_14257delinsCA (p.Ala4753Thr)

Gene: RYR1 (ryanodine receptor 1; plus strand). Cytogenetic location: 19q13.2.
Variant type: Indel.
Coding change: c.14256_14257delinsCA on transcript NM_000540.3 (MANE Select); coding-DNA positions 14256 to 14257, AG replaced by CA.
Protein change: p.Ala4753Thr; replaces alanine 4753 with threonine.
Molecular consequence: missense variant.
Genome position (GRCh38, 1-based): chr19:38,578,001-38,578,002, AG replaced by CA. VCF-style: chr19-38578001-AG-CA. GRCh37 (hg19) VCF-style: chr19-39068641-AG-CA.
Other names: c.14256_14257delAGinsCA (NM_000540.2); c.14241_14242delinsCA, p.Ala4748Thr (NM_001042723.2); short protein forms A4748T, A4753T.
Identifiers: ClinVar variation 544507 (VCV000544507.13), dbSNP rs1555803356, ClinGen allele CA658799221.